The following is an entry in ClinVar:

NM_016553.5(NUP62):c.172G>A (p.Gly58Ser)

Genes: IL4I1 (interleukin 4 induced 1; minus strand), NUP62 (nucleoporin 62; minus strand). Cytogenetic location: 19q13.33.
Variant type: single nucleotide variant.
Coding change: c.172G>A on transcript NM_016553.5 (MANE Select); coding-DNA position 172, G replaced by A.
Protein change: p.Gly58Ser; replaces glycine 58 with serine.
Molecular consequence: missense variant. On other transcripts: intron variant (3).
Genome position (GRCh38, 1-based): chr19:49,909,636, C>T on the plus strand (G>A on the coding strand, the complement: NUP62 is on the minus strand). VCF-style: chr19-49909636-C-T. GRCh37 (hg19) VCF-style: chr19-50412893-C-T.
Other names: c.172G>A, p.Gly58Ser (NM_001193357.2, NM_012346.5, NM_153718.4 and 1 more transcripts); c.-227-5315G>A (NM_001258017.2, NM_172374.3); c.-285-5315G>A (NM_001258018.2); short protein forms G58S.
Identifiers: ClinVar variation 1989887 (VCV001989887.1), dbSNP rs755566695, ClinGen allele CA9589195.

ClinVar aggregate classification (germline): Uncertain significance (1 of 4 stars; one submission).

Allele frequency attached by ClinVar (database versions not stated): gnomAD 0.00001; ExAC 0.00004; TOPMed 0.00002.
gnomAD v4.1: 47 of 1,613,968 alleles (0.0029%); highest among the groups gnomAD compares: South Asian, 0.011%; no homozygotes.

Submission:

Labcorp Genetics (formerly Invitae), Labcorp
Classification: Uncertain significance. Last evaluated: 2022-06-01. Review status: criteria provided, single submitter. Criteria: Invitae Variant Classification Sherloc (09022015). Collection method: clinical testing. Allele origin: germline.
Comment: This sequence change replaces glycine, which is neutral and non-polar, with serine, which is neutral and polar, at codon 58 of the NUP62 protein (p.Gly58Ser). This variant is present in population databases (rs755566695, gnomAD 0.05%). This variant has not been reported in the literature in individuals affected with NUP62-related conditions. Algorithms developed to predict the effect of missense changes on protein structure and function output the following: SIFT: "Tolerated"; PolyPhen-2: "Benign"; Align-GVGD: "Class C0". The serine amino acid residue is found in multiple mammalian species, which suggests that this missense change does not adversely affect protein function. Algorithms developed to predict the effect of sequence changes on RNA splicing suggest that this variant may create or strengthen a splice site. In summary, the available evidence is currently insufficient to determine the role of this variant in disease. Therefore, it has been classified as a Variant of Uncertain Significance.